The following is an entry in ClinVar:

NM_000540.3(RYR1):c.10656T>C (p.Phe3552=)

Gene: RYR1 (ryanodine receptor 1; plus strand). Cytogenetic location: 19q13.2.
Variant type: single nucleotide variant.
Coding change: c.10656T>C on transcript NM_000540.3 (MANE Select); coding-DNA position 10656, T replaced by C.
Protein change: p.Phe3552=; no amino-acid change (phenylalanine 3552 retained).
Molecular consequence: synonymous variant.
Genome position (GRCh38, 1-based): chr19:38,527,022, T>C. VCF-style: chr19-38527022-T-C. GRCh37 (hg19) VCF-style: chr19-39017662-T-C.
Other names: c.10641T>C, p.Phe3547= (NM_001042723.2).
Identifiers: ClinVar variation 889885 (VCV000889885.5), dbSNP rs1971495978, ClinGen allele CA507236861.

ClinVar aggregate classification (germline): Conflicting classifications of pathogenicity. Review status: criteria provided, conflicting classifications (1 of 4 stars). 4 submissions from 2 submitters: Uncertain significance (3); Likely benign (1). Last evaluated 2022-11-30.

Conditions:
Malignant hyperthermia, susceptibility to, 1 (MHS1). Also called: Anesthesia related hyperthermia; Malignant hyperpyrexia; Fulminating hyperpyrexia; Pharmacogenic myopathy; RYR1-Related Malignant Hyperthermia Susceptibility; Malignant hyperthermia suceptibility 1. Identifiers: Orphanet 423, MedGen C2930980, MONDO:0007783, OMIM 145600.
Congenital multicore myopathy with external ophthalmoplegia (CMYO1B). Also called: MULTICORE MYOPATHY; Minicore myopathy with external ophthalmoplegia; Congenital myopathy 1B, autosomal recessive; Minicore myopathy; MULTIMINICORE DISEASE WITH EXTERNAL OPHTHALMOPLEGIA. Identifiers: Orphanet 598, Orphanet 98905, MedGen C1850674, MONDO:0009712, OMIM 255320, HP:0003789.
Central core myopathy (CMYO1A). Also called: CONGENITAL MYOPATHY 1A, AUTOSOMAL DOMINANT, WITH SUSCEPTIBILITY TO MALIGNANT HYPERTHERMIA; Central core disease; Myopathy, central fibrillar. Identifiers: Orphanet 597, MedGen C5830701, MONDO:0007294, OMIM 117000.

Submissions (4):

All of Us Research Program, National Institutes of Health
Classification: Likely benign for Malignant hyperthermia, susceptibility to, 1. Last evaluated: 2022-11-30. Review status: criteria provided, single submitter. Criteria: ACMG Guidelines, 2015. Collection method: clinical testing. Allele origin: germline. Inheritance: Autosomal dominant inheritance. Observed: 1 variant allele, 1 heterozygote.
Comment: This study involves interpretation of variants in research participants for the purpose of population health screening. Participant phenotype was not available at the time of variant classification. Additional details can be found in publication PMID: 35346344, PMCID: PMC8962531

Illumina Laboratory Services, Illumina
Classification: Uncertain significance for Malignant hyperthermia, susceptibility to, 1. Last evaluated: 2018-01-17. Review status: criteria provided, single submitter. Criteria: ICSL Variant Classification Criteria 13 December 2019. Collection method: clinical testing. Allele origin: germline.

Illumina Laboratory Services, Illumina
Classification: Uncertain significance for Central core myopathy. Last evaluated: 2018-01-17. Review status: criteria provided, single submitter. Criteria: ICSL Variant Classification Criteria 13 December 2019. Collection method: clinical testing. Allele origin: germline.

Illumina Laboratory Services, Illumina
Classification: Uncertain significance for Congenital multicore myopathy with external ophthalmoplegia. Last evaluated: 2018-01-17. Review status: criteria provided, single submitter. Criteria: ICSL Variant Classification Criteria 13 December 2019. Collection method: clinical testing. Allele origin: germline.